The following is an entry in ClinVar:

ClinVar aggregate classification (germline): Uncertain significance (1 of 4 stars; one submission).

Allele frequency attached by ClinVar (database versions not stated): gnomAD exomes below 0.00001.
gnomAD v4.1: 2 of 1,612,628 alleles (0.00012%); highest among the groups gnomAD compares: African/African-American, 0.0013%; no homozygotes.

Submission:

Labcorp Genetics (formerly Invitae), Labcorp
Classification: Uncertain significance. Last evaluated: 2024-01-11. Review status: criteria provided, single submitter. Criteria: Invitae Variant Classification Sherloc (09022015). Collection method: clinical testing. Allele origin: germline.
Comment: This sequence change replaces aspartic acid, which is acidic and polar, with asparagine, which is neutral and polar, at codon 1322 of the LRP5 protein (p.Asp1322Asn). This variant is not present in population databases (gnomAD no frequency). This variant has not been reported in the literature in individuals affected with LRP5-related conditions. Advanced modeling of protein sequence and biophysical properties (such as structural, functional, and spatial information, amino acid conservation, physicochemical variation, residue mobility, and thermodynamic stability) performed at Invitae indicates that this missense variant is not expected to disrupt LRP5 protein function with a negative predictive value of 95%. In summary, the available evidence is currently insufficient to determine the role of this variant in disease. Therefore, it has been classified as a Variant of Uncertain Significance.

NM_002335.4(LRP5):c.3964G>A (p.Asp1322Asn)

Gene: LRP5 (LDL receptor related protein 5; plus strand). Cytogenetic location: 11q13.2.
Variant type: single nucleotide variant.
Coding change: c.3964G>A on transcript NM_002335.4 (MANE Select); coding-DNA position 3964, G replaced by A.
Protein change: p.Asp1322Asn; replaces aspartic acid 1322 with asparagine.
Molecular consequence: missense variant.
Genome position (GRCh38, 1-based): chr11:68,433,802, G>A. VCF-style: chr11-68433802-G-A. GRCh37 (hg19) VCF-style: chr11-68201270-G-A.
Other names: c.2221G>A, p.Asp741Asn (NM_001291902.2); short protein forms D741N, D1322N.
Identifiers: ClinVar variation 2962561 (VCV002962561.3), dbSNP rs2496875047, ClinGen allele CA381613987.
Genomic context (GRCh38, chr11:68,433,802, plus strand): 5'-CAGTTCCCCTGCGCGCGGGGTCAGTGTGTGGACCTGCGCCTGCGCTGCGACGGCGAGGCA[G>A]ACTGTCAGGACCGCTCAGACGAGGCGGACTGTGACGGTGAGGCCCTCCCCGTCAAGGCTC-3'
Protein context (NP_002326.2, residues 1312-1332): DLRLRCDGEA[Asp1322Asn]CQDRSDEADC